The following is an entry in ClinVar:

NM_021975.4(RELA):c.660G>A (p.Gln220=)

Gene: RELA (RELA proto-oncogene, NF-kB subunit; minus strand). Cytogenetic location: 11q13.1.
Variant type: single nucleotide variant.
Coding change: c.660G>A on transcript NM_021975.4 (MANE Select); coding-DNA position 660, G replaced by A.
Protein change: p.Gln220=; no amino-acid change (glutamine 220 retained).
Molecular consequence: synonymous variant. On other transcripts: intron variant (1).
Genome position (GRCh38, 1-based): chr11:65,658,722, C>T on the plus strand (G>A on the coding strand, the complement: RELA is on the minus strand). VCF-style: chr11-65658722-C-T. GRCh37 (hg19) VCF-style: chr11-65426193-C-T.
Other names: p.(Gln220=); c.651G>A, p.Gln217= (NM_001145138.2); c.660G>A, p.Gln220= (NM_001243984.2, NM_001243985.2, NM_001404659.1); c.693G>A, p.Gln231= (NM_001404657.1); c.633G>A, p.Gln211= (NM_001404658.1); c.279G>A, p.Gln93= (NM_001404661.1); c.567G>A, p.Gln189= (NM_001404662.1, NM_001404663.1); c.559+944G>A (NM_001404660.1).
Identifiers: ClinVar variation 4886949 (VCV004886949.1).

ClinVar aggregate classification (germline): Uncertain significance (1 of 4 stars; one submission).

Conditions:
Autoinflammatory disease, familial, Behcet-like-3. Also called: Mucocutaneous ulceration, chronic. Identifiers: Orphanet 596759, MedGen C4748997, MONDO:0032659, OMIM 618287.

Submission:

Department of Molecular Genetics, Istishari Arab Hospital
Classification: Uncertain significance for Autoinflammatory disease, familial, Behcet-like-3. Last evaluated: 2026-08-27. Review status: criteria provided, single submitter. Criteria: ACMG Guidelines, 2015. Collection method: clinical testing. Allele origin: germline. Inheritance: Autosomal dominant inheritance. Affected: yes.
Comment: This heterozygous synonymous variant does not change the encoded amino acid. It was not observed in the gnomAD v4.1 population dataset and has not been reported in affected individuals. Available computational evidence for its effect on splicing is uncertain [SpliceAI: 0.130]. It is classified as a variant of uncertain significance according to the recommendations of ACMG/AMP/ClinGen SVI guidelines.